The following is an entry in ClinVar:

ClinVar aggregate classification (germline): Uncertain significance (1 of 4 stars; one submission).

Conditions:
H syndrome. Also called: Asrar Facharzt Haque syndrome; FAISALABAD HISTIOCYTOSIS; HISTIOCYTOSIS AND LYMPHADENOPATHY WITH OR WITHOUT CUTANEOUS, CARDIAC, AND/OR ENDOCRINE FEATURES, JOINT CONTRACTURES, AND/OR DEAFNESS; HYPERPIGMENTATION, CUTANEOUS, WITH HYPERTRICHOSIS, HEPATOSPLENOMEGALY, HEART ANOMALIES, AND HYPOGONADISM WITH OR WITHOUT HEARING LOSS; PIGMENTED HYPERTRICHOSIS WITH INSULIN-DEPENDENT DIABETES MELLITUS; ROSAI-DORFMAN DISEASE, FAMILIAL. Identifiers: Orphanet 168569, MedGen C1864445, MONDO:0011273, OMIM 602782.

Allele frequency attached by ClinVar (database versions not stated): gnomAD exomes below 0.00001; TOPMed below 0.00001.
gnomAD v4.1: 1 of 1,613,236 alleles (0.000062%); highest among the groups gnomAD compares: Non-Finnish European, 0.000085%; no homozygotes.

Submission:

Labcorp Genetics (formerly Invitae), Labcorp
Classification: Uncertain significance for H syndrome. Last evaluated: 2022-09-25. Review status: criteria provided, single submitter. Criteria: Invitae Variant Classification Sherloc (09022015). Collection method: clinical testing. Allele origin: germline.
Comment: In summary, the available evidence is currently insufficient to determine the role of this variant in disease. Therefore, it has been classified as a Variant of Uncertain Significance. Advanced modeling of protein sequence and biophysical properties (such as structural, functional, and spatial information, amino acid conservation, physicochemical variation, residue mobility, and thermodynamic stability) performed at Invitae indicates that this missense variant is not expected to disrupt SLC29A3 protein function. ClinVar contains an entry for this variant (Variation ID: 1420874). This variant has not been reported in the literature in individuals affected with SLC29A3-related conditions. This variant is not present in population databases (gnomAD no frequency). This sequence change replaces serine, which is neutral and polar, with leucine, which is neutral and non-polar, at codon 97 of the SLC29A3 protein (p.Ser97Leu).

NM_018344.6(SLC29A3):c.290C>T (p.Ser97Leu)

Gene: SLC29A3 (solute carrier family 29 member 3; plus strand). Cytogenetic location: 10q22.1.
Variant type: single nucleotide variant.
Coding change: c.290C>T on transcript NM_018344.6 (MANE Select); coding-DNA position 290, C replaced by T.
Protein change: p.Ser97Leu; replaces serine 97 with leucine.
Molecular consequence: missense variant. On other transcripts: non-coding transcript variant (2).
Genome position (GRCh38, 1-based): chr10:71,323,044, C>T. VCF-style: chr10-71323044-C-T. GRCh37 (hg19) VCF-style: chr10-73082801-C-T.
Other names: c.56C>T, p.Ser19Leu (NM_001363518.2); c.290C>T, p.Ser97Leu (NM_001174098.2); short protein forms S97L, S19L.
Identifiers: ClinVar variation 1420874 (VCV001420874.4), dbSNP rs1055285740, ClinGen allele CA209390018.